The following is an entry in ClinVar:

ClinVar aggregate classification (germline): Uncertain significance. Review status: criteria provided, multiple submitters, no conflicts (2 of 4 stars). 2 submissions from 2 submitters: Uncertain significance (2). Last evaluated 2025-01-25.

Conditions:
Charcot-Marie-Tooth disease type 2. Also called: Charcot-Marie-Tooth type 2. Identifiers: Orphanet 64746, MedGen C0270914, MONDO:0018993.

Submissions (2):

Ambry Genetics
Classification: Uncertain significance. Last evaluated: 2025-01-25. Review status: criteria provided, single submitter. Criteria: Ambry Variant Classification Scheme 2023. Collection method: clinical testing. Allele origin: germline.
Comment: The p.S1305T variant (also known as c.3914G>C), located in coding exon 35 of the KIF1B gene, results from a G to C substitution at nucleotide position 3914. The serine at codon 1305 is replaced by threonine, an amino acid with similar properties. This amino acid position is conserved. In addition, this alteration is predicted to be tolerated by in silico analysis. Based on the available evidence, the clinical significance of this variant remains unclear.

Labcorp Genetics (formerly Invitae), Labcorp
Classification: Uncertain significance for Charcot-Marie-Tooth disease type 2. Last evaluated: 2023-06-11. Review status: criteria provided, single submitter. Criteria: Invitae Variant Classification Sherloc (09022015). Collection method: clinical testing. Allele origin: germline.
Comment: In summary, the available evidence is currently insufficient to determine the role of this variant in disease. Therefore, it has been classified as a Variant of Uncertain Significance. An algorithm developed to predict the effect of missense changes on protein structure and function (PolyPhen-2) suggests that this variant is likely to be tolerated. This variant has not been reported in the literature in individuals affected with KIF1B-related conditions. This variant is not present in population databases (gnomAD no frequency). This sequence change replaces serine, which is neutral and polar, with threonine, which is neutral and polar, at codon 1305 of the KIF1B protein (p.Ser1305Thr).

NM_001365951.3(KIF1B):c.4052G>C (p.Ser1351Thr)

Gene: KIF1B (kinesin family member 1B; plus strand). Cytogenetic location: 1p36.22.
Variant type: single nucleotide variant.
Coding change: c.4052G>C on transcript NM_001365951.3 (MANE Select); coding-DNA position 4052, G replaced by C.
Protein change: p.Ser1351Thr; replaces serine 1351 with threonine.
Molecular consequence: missense variant.
Genome position (GRCh38, 1-based): chr1:10,352,733, G>C. VCF-style: chr1-10352733-G-C. GRCh37 (hg19) VCF-style: chr1-10412791-G-C.
Other names: c.4052G>C, p.Ser1351Thr (NM_001365952.1); c.3914G>C, p.Ser1305Thr (NM_015074.3); short protein forms S1305T, S1351T.
Identifiers: ClinVar variation 2711193 (VCV002711193.4), dbSNP rs2521828776, ClinGen allele CA338344544.
Genomic context (GRCh38, chr1:10,352,733, plus strand): 5'-ATGCCATCCTCTCCCTAAATATTATTTCTGCCAAGTACCTGAAGTCTTCCCACAACTCTA[G>C]CAGGTGGGACACCCAGAGCAGTGTGAAGAAGTCCACACTTGCAGGCGTTAATTGGTACAC-3'
Protein context (NP_001352880.1, residues 1341-1361): AKYLKSSHNS[Ser1351Thr]RTFYRFEAVW